The following is an entry in ClinVar:

ClinVar aggregate classification (germline): Uncertain significance (1 of 4 stars; one submission).

Conditions:
Deficiency of butyrylcholinesterase (BCHED). Also called: BCHE, silent 1; Acholinesterasemia; Deficiency of butyrylcholine esterase; Butyrylcholinesterase deficiency. Identifiers: Orphanet 132, MedGen C1283400, MONDO:0015270, OMIM 617936.

Allele frequency attached by ClinVar (database versions not stated): gnomAD 0.00001 and 0.00002; TOPMed 0.00002; ExAC 0.00003; gnomAD exomes 0.00004.
gnomAD v4.1: 65 of 1,613,652 alleles (0.004%); highest among the groups gnomAD compares: South Asian, 0.019%; no homozygotes.

Submission:

Victorian Clinical Genetics Services, Murdoch Childrens Research Institute
Classification: Uncertain significance for Deficiency of butyrylcholinesterase. Last evaluated: 2024-10-11. Review status: criteria provided, single submitter. Criteria: ACMG Guidelines, 2015. Collection method: clinical testing. Allele origin: germline. Inheritance: Autosomal recessive inheritance.
Comment: Based on the classification scheme VCGS_Germline_v1.3.5, this variant is classified as VUS-3A. Following criteria are met: 0102 - Loss of function is a known mechanism of disease in this gene and is associated with butyrylcholinesterase deficiency (MIM#617936). (I) 0106 - This gene is associated with autosomal recessive disease. (I) 0200 - Variant is predicted to result in a missense amino acid change from glutamic acid to lysine. (I) 0251 - This variant is heterozygous. (I) 0304 - Variant is present in gnomAD <0.01 for a recessive condition (v4: 65 heterozygotes, 0 homozygotes). (SP) 0309 - An alternative amino acid change at the same position has been observed in gnomAD (v4: 1 heterozygote, 0 homozygotes). (I) 0501 - Missense variant consistently predicted to be damaging by multiple in silico tools or highly conserved with a major amino acid change. (SP) 0600 - Variant is located in the annotated COesterase domain. (I) 0705 - No comparable missense variants have previous evidence for pathogenicity. (SP) 0905 - No published segregation evidence has been identified for this variant. (I) 1002 - Assay specific to gene product shows abnormal protein function. An individual with severe hypocholinesterasemia had zero BChE activity measured in total plasma (PMID: 12881446). (SP) 1201 - Heterozygous variant detected in trans with a second likely pathogenic heterozygous variant (NM_000055.4(BCHE): c.1253G>T; p.(Gly418Val)) in a recessive disease. (I) Legend: (SP) - Supporting pathogenic, (I) - Information, (SB) - Supporting benign

Literature cited by the submitters: PubMed 12881446.

NM_000055.4(BCHE):c.1462G>A (p.Glu488Lys)

Gene: BCHE (butyrylcholinesterase; minus strand). Cytogenetic location: 3q26.1.
Variant type: single nucleotide variant.
Coding change: c.1462G>A on transcript NM_000055.4 (MANE Select); coding-DNA position 1462, G replaced by A.
Protein change: p.Glu488Lys; replaces glutamic acid 488 with lysine.
Molecular consequence: missense variant. On other transcripts: non-coding transcript variant (1).
Genome position (GRCh38, 1-based): chr3:165,829,572, C>T on the plus strand (G>A on the coding strand, the complement: BCHE is on the minus strand). VCF-style: chr3-165829572-C-T. GRCh37 (hg19) VCF-style: chr3-165547360-C-T.
Other names: c.1462G>A (NM_000055.3); short protein forms E488K.
Identifiers: ClinVar variation 632412 (VCV000632412.5), dbSNP rs200998515, ClinGen allele CA2692306.